The following is an entry in ClinVar:

NM_007272.3(CTRC):c.221A>G (p.His74Arg)

Gene: CTRC (chymotrypsin C; plus strand). Cytogenetic location: 1p36.21.
Variant type: single nucleotide variant.
Coding change: c.221A>G on transcript NM_007272.3 (MANE Select); coding-DNA position 221, A replaced by G.
Protein change: p.His74Arg; replaces histidine 74 with arginine.
Molecular consequence: missense variant.
Genome position (GRCh38, 1-based): chr1:15,440,581, A>G. VCF-style: chr1-15440581-A-G. GRCh37 (hg19) VCF-style: chr1-15767077-A-G.
Other names: short protein forms H74R.
Identifiers: ClinVar variation 2561885 (VCV002561885.3), dbSNP rs2526290336, ClinGen allele CA338565127.

ClinVar aggregate classification (germline): Uncertain significance (1 of 4 stars; one submission).

Conditions:
Hereditary pancreatitis (PCTT). Also called: Hereditary chronic pancreatitis; PRSS1-Related Hereditary Pancreatitis. Identifiers: Orphanet 676, MedGen C0238339, MONDO:0008185, OMIM 167800.

Allele frequency attached by ClinVar (database versions not stated): gnomAD exomes below 0.00001.

Submission:

Ambry Genetics
Classification: Uncertain significance for Hereditary pancreatitis. Last evaluated: 2025-10-25. Review status: criteria provided, single submitter. Criteria: Ambry Variant Classification Scheme 2023. Collection method: clinical testing. Allele origin: germline.
Comment: The p.H74R variant (also known as c.221A>G), located in coding exon 3 of the CTRC gene, results from an A to G substitution at nucleotide position 221. The histidine at codon 74 is replaced by arginine, an amino acid with highly similar properties. This amino acid position is conserved. In addition, this alteration is predicted to be deleterious by in silico analysis. Since supporting evidence is limited at this time, the clinical significance of this alteration remains unclear.